The following is an entry in ClinVar:

ClinVar aggregate classification (germline): Conflicting classifications of pathogenicity. Review status: criteria provided, conflicting classifications (1 of 4 stars). 3 submissions from 3 submitters: Uncertain significance (2); Likely benign (1). Last evaluated 2024-09-10.

Conditions:
Cardiovascular phenotype. Identifiers: MedGen CN230736.

Allele frequency attached by ClinVar (database versions not stated): gnomAD exomes 0.00001; TOPMed 0.00018; gnomAD 0.00024 and 0.00026.
gnomAD v4.1: 53 of 1,549,864 alleles (0.0034%); highest among the groups gnomAD compares: African/African-American, 0.069%; no homozygotes.

Submissions (3):

GeneDx
Classification: Uncertain significance. Last evaluated: 2024-09-10. Review status: criteria provided, single submitter. Criteria: GeneDx Variant Classification Process June 2021. Collection method: clinical testing. Allele origin: germline. Affected: yes.
Comment: In silico analysis indicates that this missense variant does not alter protein structure/function; Has not been previously published as pathogenic or benign to our knowledge

Ambry Genetics
Classification: Likely benign for Cardiovascular phenotype. Last evaluated: 2023-04-10. Review status: criteria provided, single submitter. Criteria: Ambry Variant Classification Scheme 2023. Collection method: clinical testing. Allele origin: germline.

Labcorp Genetics (formerly Invitae), Labcorp
Classification: Uncertain significance. Last evaluated: 2022-04-13. Review status: criteria provided, single submitter. Criteria: Invitae Variant Classification Sherloc (09022015). Collection method: clinical testing. Allele origin: germline.
Comment: This sequence change replaces valine, which is neutral and non-polar, with alanine, which is neutral and non-polar, at codon 271 of the ZNF469 protein (p.Val271Ala). This variant is present in population databases (no rsID available, gnomAD 0.06%). This variant has not been reported in the literature in individuals affected with ZNF469-related conditions. ClinVar contains an entry for this variant (Variation ID: 1218273). Algorithms developed to predict the effect of missense changes on protein structure and function output the following: SIFT: "Tolerated"; PolyPhen-2: "Benign"; Align-GVGD: "Class C0". The alanine amino acid residue is found in multiple mammalian species, which suggests that this missense change does not adversely affect protein function. In summary, the available evidence is currently insufficient to determine the role of this variant in disease. Therefore, it has been classified as a Variant of Uncertain Significance.

NM_001367624.2(ZNF469):c.812T>C (p.Val271Ala)

Gene: ZNF469 (zinc finger protein 469; plus strand). Cytogenetic location: 16q24.2.
Variant type: single nucleotide variant.
Coding change: c.812T>C on transcript NM_001367624.2 (MANE Select); coding-DNA position 812, T replaced by C.
Protein change: p.Val271Ala; replaces valine 271 with alanine.
Molecular consequence: missense variant.
Genome position (GRCh38, 1-based): chr16:88,428,282, T>C. VCF-style: chr16-88428282-T-C. GRCh37 (hg19) VCF-style: chr16-88494690-T-C.
Other names: NM_001127464.1:c.812T>C; short protein forms V271A.
Identifiers: ClinVar variation 1218273 (VCV001218273.8), dbSNP rs985569633, ClinGen allele CA286372135.